The following is an entry in ClinVar:

NM_000391.4(TPP1):c.1328A>G (p.Asn443Ser)

Gene: TPP1 (tripeptidyl peptidase 1; minus strand). Cytogenetic location: 11p15.4.
Variant type: single nucleotide variant.
Coding change: c.1328A>G on transcript NM_000391.4 (MANE Select); coding-DNA position 1328, A replaced by G.
Protein change: p.Asn443Ser; replaces asparagine 443 with serine.
Molecular consequence: missense variant.
Genome position (GRCh38, 1-based): chr11:6,615,268, T>C on the plus strand (A>G on the coding strand, the complement: TPP1 is on the minus strand). VCF-style: chr11-6615268-T-C. GRCh37 (hg19) VCF-style: chr11-6636499-T-C.
Other names: short protein forms N443S.
Identifiers: ClinVar variation 457938 (VCV000457938.10), dbSNP rs139343938, ClinGen allele CA5858673.
Genomic context (GRCh38, chr11:6,615,268, plus strand): 5'-CTGACCACCCAGTAGCCATCAGAAAGTGCAGCCACATCTGGGTAGGCACGGCCACTGGCA[T>C]TGAAGTAACTGGATGGTGGCAGGTGGGGGCTAGAGCTCAGGAACTTCGTTACAGCTTCCT-3'
Protein context (NP_000382.3, residues 433-453): SPHLPPSSYF[Asn443Ser]ASGRAYPDVA

ClinVar aggregate classification (germline): Uncertain significance. Review status: criteria provided, multiple submitters, no conflicts (2 of 4 stars). 4 submissions from 4 submitters: Uncertain significance (3). 1 of the submissions does not count toward it. Last evaluated 2022-12-06.

Conditions:
Inborn genetic diseases. Identifiers: MedGen C0950123, MeSH D030342.
Neuronal ceroid lipofuscinosis 2. Also called: TPP1-Related Neuronal Ceroid-Lipofuscinosis; JANSKY-BIELSCHOWSKY DISEASE NEURONAL CEROID LIPOFUSCINOSIS, LATE INFANTILE. Identifiers: Orphanet 168491, Orphanet 228349, Orphanet 79264, MedGen C1876161, MONDO:0008769, OMIM 204500.

Allele frequency attached by ClinVar (database versions not stated): ExAC 0.00005; gnomAD exomes 0.00006; gnomAD 0.00013; TOPMed 0.00015; ESP Exome Variant Server 0.00023.
gnomAD v4.1: 48 of 1,614,012 alleles (0.003%); highest among the groups gnomAD compares: Admixed American, 0.023%; no homozygotes.

Submissions (4):

Ambry Genetics
Classification: Uncertain significance for Inborn genetic diseases. Last evaluated: 2022-12-06. Review status: criteria provided, single submitter. Criteria: Ambry Variant Classification Scheme 2023. Collection method: clinical testing. Allele origin: germline.

Labcorp Genetics (formerly Invitae), Labcorp
Classification: Uncertain significance. Last evaluated: 2021-09-08. Review status: criteria provided, single submitter. Criteria: Invitae Variant Classification Sherloc (09022015). Collection method: clinical testing. Allele origin: germline.
Comment: This sequence change replaces asparagine with serine at codon 443 of the TPP1 protein (p.Asn443Ser). The asparagine residue is highly conserved and there is a small physicochemical difference between asparagine and serine. This variant is present in population databases (rs139343938, ExAC 0.03%). This variant has not been reported in the literature in individuals affected with TPP1-related conditions. ClinVar contains an entry for this variant (Variation ID: 457938). Algorithms developed to predict the effect of missense changes on protein structure and function are either unavailable or do not agree on the potential impact of this missense change (SIFT: "Deleterious"; PolyPhen-2: "Probably Damaging"; Align-GVGD: "Class C0"). In summary, the available evidence is currently insufficient to determine the role of this variant in disease. Therefore, it has been classified as a Variant of Uncertain Significance.

GeneDx
Classification: Uncertain significance. Last evaluated: 2020-07-14. Review status: criteria provided, single submitter. Criteria: GeneDx Variant Classification Process June 2021. Collection method: clinical testing. Allele origin: germline. Affected: yes.
Comment: Has not been previously published as pathogenic or benign to our knowledge; In silico analysis supports that this missense variant has a deleterious effect on protein structure/function

Natera, Inc.
Classification: Uncertain significance for Neuronal ceroid lipofuscinosis 2. Last evaluated: 2019-11-11. Review status: no assertion criteria provided. Collection method: clinical testing. Allele origin: germline. Not counted in ClinVar's aggregate classification.